The following is an entry in ClinVar:

ClinVar aggregate classification (germline): Likely pathogenic (1 of 4 stars; one submission).

Conditions:
Neurofibromatosis, type 1 (NF1). Also called: NEUROFIBROMATOSIS, TYPE I, SOMATIC; Neurofibromatosis, type I; VON RECKLINGHAUSEN DISEASE; Peripheral type neurofibromatosis. Identifiers: Orphanet 636, MedGen C0027831, MONDO:0018975, OMIM 162200. Disease mechanism: loss of function.

Submission:

Labcorp Genetics (formerly Invitae), Labcorp
Classification: Likely pathogenic for Neurofibromatosis, type 1. Last evaluated: 2023-02-20. Review status: criteria provided, single submitter. Criteria: Invitae Variant Classification Sherloc (09022015). Collection method: clinical testing. Allele origin: germline.
Comment: This variant results in the deletion of part of exon 50 (c.7505_7552+1494del) of the NF1 gene. It is expected to disrupt RNA splicing. Variants that disrupt the donor or acceptor splice site typically lead to a loss of protein function (PMID: 16199547), and loss-of-function variants in NF1 are known to be pathogenic (PMID: 10712197, 23913538). This variant has not been reported in the literature in individuals affected with NF1-related conditions. In summary, the currently available evidence indicates that the variant is pathogenic, but additional data are needed to prove that conclusively. Therefore, this variant has been classified as Likely Pathogenic.

Literature cited by the submitters: PubMed 16199547; PubMed 10712197; PubMed 23913538.

NC_000017.10:g.(?_29679379)_(29680920_?)del

Gene: NF1 (neurofibromin 1; plus strand). Cytogenetic location: 17q11.2.
Variant type: Deletion.
Identifiers: ClinVar variation 1495058 (VCV001495058.4).